The following is an entry in ClinVar:

ClinVar aggregate classification (germline): Uncertain significance (1 of 4 stars; one submission).

gnomAD v4.1: 1 of 1,572,272 alleles (0.000064%); highest among the groups gnomAD compares: East Asian, 0.0024%; no homozygotes.

Submission:

Ambry Genetics
Classification: Uncertain significance. Last evaluated: 2026-06-14. Review status: criteria provided, single submitter. Criteria: Ambry Variant Classification Scheme 2023. Collection method: clinical testing. Allele origin: germline.
Comment: The p.A1742S variant (also known as c.5224G>T), located in coding exon 22 of the WNK2 gene, results from a G to T substitution at nucleotide position 5224. The alanine at codon 1742 is replaced by serine, an amino acid with similar properties. This amino acid position is conserved. In addition, this alteration is predicted to be tolerated by in silico analysis. Based on the available evidence, the clinical significance of this variant remains unclear.

NM_006648.4(WNK2):c.5224G>T (p.Ala1742Ser)

Gene: WNK2 (WNK lysine deficient protein kinase 2; plus strand). Cytogenetic location: 9q22.31.
Variant type: single nucleotide variant.
Coding change: c.5224G>T on transcript NM_006648.4 (MANE Select); coding-DNA position 5224, G replaced by T.
Protein change: p.Ala1742Ser; replaces alanine 1742 with serine.
Molecular consequence: missense variant.
Genome position (GRCh38, 1-based): chr9:93,292,689, G>T. VCF-style: chr9-93292689-G-T. GRCh37 (hg19) VCF-style: chr9-96054971-G-T.
Other names: c.5335G>T, p.Ala1779Ser (NM_001282394.3); short protein forms A1742S, A1779S.
Identifiers: ClinVar variation 4866765 (VCV004866765.1).